The following is an entry in ClinVar:

NM_181552.4(CUX1):c.1895-4A>G

Genes: CUX1 (cut like homeobox 1; plus strand), LOC126860127 (CDK7 strongly-dependent group 2 enhancer GRCh37_chr7:101841732-101842931; plus strand). Cytogenetic location: 7q22.1.
Variant type: single nucleotide variant.
Coding change: c.1895-4A>G on transcript NM_181552.4 (MANE Select); 4 bases into the intron before coding-DNA position 1895, A replaced by G.
Molecular consequence: intron variant.
Genome position (GRCh38, 1-based): chr7:102,198,798, A>G. VCF-style: chr7-102198798-A-G. GRCh37 (hg19) VCF-style: chr7-101842078-A-G.
Other names: c.1255+3195A>G (NM_001913.5); c.1249+3195A>G (NM_181500.4); c.1117+3195A>G (NM_001202545.3); c.1207+3195A>G (NM_001202544.3); c.1138+3195A>G (NM_001202546.3); c.1928-4A>G (NM_001202543.2).
Identifiers: ClinVar variation 2634982 (VCV002634982.1), dbSNP rs2485385229, ClinGen allele CA456811712.

ClinVar aggregate classification (germline): Uncertain significance (1 of 4 stars; one submission).

Conditions:
CUX1-related disorder. Also called: CUX1-related condition.

Submission:

PreventionGenetics, part of Exact Sciences
Classification: Uncertain significance for CUX1-related condition. Last evaluated: 2023-05-11. Review status: criteria provided, single submitter. Criteria: ACMG Guidelines, 2015. Collection method: clinical testing. Allele origin: germline.
Comment: The CUX1 c.1928-4A>G variant is predicted to interfere with splicing. However, the use of computer prediction programs is not equivalent to functional evidence. To our knowledge, this variant has not been reported in the literature or in a large population database, indicating this variant is rare. At this time, the clinical significance of this variant is uncertain due to the absence of conclusive functional and genetic evidence.